The following is an entry in ClinVar:

ClinVar aggregate classification (germline): Uncertain significance (1 of 4 stars; one submission).

Conditions:
Dystonia 12 (DYT12). Also called: Rapid-Onset Dystonia-Parkinsonism (RDP); DYT-ATP1A3. Identifiers: Orphanet 71517, MedGen C1868681, MONDO:0007496, OMIM 128235.

Submission:

Labcorp Genetics (formerly Invitae), Labcorp
Classification: Uncertain significance for Dystonia 12. Last evaluated: 2024-05-21. Review status: criteria provided, single submitter. Criteria: Invitae Variant Classification Sherloc (09022015). Collection method: clinical testing. Allele origin: germline.
Comment: This sequence change replaces tryptophan, which is neutral and slightly polar, with leucine, which is neutral and non-polar, at codon 382 of the ATP1A3 protein (p.Trp382Leu). This variant is not present in population databases (gnomAD no frequency). This missense change has been observed in individual(s) with clinical features of developmental and epileptic encephalopathy (Invitae). Advanced modeling of protein sequence and biophysical properties (such as structural, functional, and spatial information, amino acid conservation, physicochemical variation, residue mobility, and thermodynamic stability) performed at Invitae indicates that this missense variant is expected to disrupt ATP1A3 protein function with a positive predictive value of 95%. This variant disrupts the p.Trp382 amino acid residue in ATP1A3. Other variant(s) that disrupt this residue have been observed in individuals with ATP1A3-related conditions (PMID: 24523486), which suggests that this may be a clinically significant amino acid residue. In summary, the available evidence is currently insufficient to determine the role of this variant in disease. Therefore, it has been classified as a Variant of Uncertain Significance.

Literature cited by the submitters: PubMed 24523486.

NM_152296.5(ATP1A3):c.1145G>T (p.Trp382Leu)

Gene: ATP1A3 (ATPase Na+/K+ transporting subunit alpha 3; minus strand). Cytogenetic location: 19q13.2.
Variant type: single nucleotide variant.
Coding change: c.1145G>T on transcript NM_152296.5 (MANE Select); coding-DNA position 1145, G replaced by T.
Protein change: p.Trp382Leu; replaces tryptophan 382 with leucine.
Molecular consequence: missense variant.
Genome position (GRCh38, 1-based): chr19:41,981,955, C>A on the plus strand (G>T on the coding strand, the complement: ATP1A3 is on the minus strand). VCF-style: chr19-41981955-C-A. GRCh37 (hg19) VCF-style: chr19-42486107-C-A.
Other names: c.1178G>T, p.Trp393Leu (NM_001256213.2); c.1184G>T, p.Trp395Leu (NM_001256214.2); short protein forms W395L, W382L, W393L.
Identifiers: ClinVar variation 3636267 (VCV003636267.2).
Genomic context (GRCh38, chr19:41,981,955, plus strand): 5'-GGCCTGCGCTCACCTGACTGGTCCTCAGTGGTGTCAGCCTCGTGGATCTGGTTGTCAAAC[C>A]ACATGTGGGCGACTGTCATGCGGTTCTGAGTGAGGGTCCCTGTCTTATCTGAGCAGATGG-3'
Protein context (NP_689509.1, residues 372-392): TQNRMTVAHM[Trp382Leu]FDNQIHEADT